The following is an entry in ClinVar:

NM_001184.4(ATR):c.7612G>T (p.Val2538Phe)

Gene: ATR (ATR serine/threonine kinase; minus strand). Cytogenetic location: 3q23.
Variant type: single nucleotide variant.
Coding change: c.7612G>T on transcript NM_001184.4 (MANE Select); coding-DNA position 7612, G replaced by T.
Protein change: p.Val2538Phe; replaces valine 2538 with phenylalanine.
Molecular consequence: missense variant.
Genome position (GRCh38, 1-based): chr3:142,457,647, C>A on the plus strand (G>T on the coding strand, the complement: ATR is on the minus strand). VCF-style: chr3-142457647-C-A. GRCh37 (hg19) VCF-style: chr3-142176489-C-A.
Other names: c.7420G>T, p.Val2474Phe (NM_001354579.2); short protein forms V2538F, V2474F.
Identifiers: ClinVar variation 3331582 (VCV003331582.1).

ClinVar aggregate classification (germline): Uncertain significance (1 of 4 stars; one submission).

Conditions:
Inborn genetic diseases. Identifiers: MedGen C0950123, MeSH D030342.

Submission:

Ambry Genetics
Classification: Uncertain significance for Inborn genetic diseases. Last evaluated: 2024-04-15. Review status: criteria provided, single submitter. Criteria: Ambry Variant Classification Scheme 2023. Collection method: clinical testing. Allele origin: germline.
Comment: The p.V2538F variant (also known as c.7612G>T), located in coding exon 45 of the ATR gene, results from a G to T substitution at nucleotide position 7612. The valine at codon 2538 is replaced by phenylalanine, an amino acid with highly similar properties. This amino acid position is conserved. In addition, this alteration is predicted to be deleterious by in silico analysis. Based on the available evidence, the clinical significance of this variant remains unclear.